The following is an entry in ClinVar:

ClinVar aggregate classification (germline): Pathogenic (1 of 4 stars; one submission).

Submission:

Labcorp Genetics (formerly Invitae), Labcorp
Classification: Pathogenic. Last evaluated: 2021-09-14. Review status: criteria provided, single submitter. Criteria: Invitae Variant Classification Sherloc (09022015). Collection method: clinical testing. Allele origin: germline.
Comment: This sequence change creates a premature translational stop signal (p.Gln1248*) in the LRP5 gene. It is expected to result in an absent or disrupted protein product. Loss-of-function variants in LRP5 are known to be pathogenic (PMID: 11719191, 16252235, 25711638). This variant is not present in population databases (ExAC no frequency). This variant has not been reported in the literature in individuals affected with LRP5-related conditions. For these reasons, this variant has been classified as Pathogenic.

Literature cited by the submitters: PubMed 11719191; PubMed 16252235; PubMed 25711638.

NM_002335.4(LRP5):c.3742C>T (p.Gln1248Ter)

Gene: LRP5 (LDL receptor related protein 5; plus strand). Cytogenetic location: 11q13.2.
Variant type: single nucleotide variant.
Coding change: c.3742C>T on transcript NM_002335.4 (MANE Select); coding-DNA position 3742, C replaced by T.
Protein change: p.Gln1248Ter; replaces glutamine 1248 with a stop codon.
Molecular consequence: nonsense.
Genome position (GRCh38, 1-based): chr11:68,429,679, C>T. VCF-style: chr11-68429679-C-T. GRCh37 (hg19) VCF-style: chr11-68197147-C-T.
Other names: c.1999C>T, p.Gln667Ter (NM_001291902.2); short protein forms Q667*, Q1248*.
Identifiers: ClinVar variation 1454811 (VCV001454811.6), dbSNP rs1186877944, ClinGen allele CA381613440.